The following is an entry in ClinVar:

ClinVar aggregate classification (germline): Pathogenic (0 of 4 stars; one submission).

Conditions:
Merosin deficient congenital muscular dystrophy (MDC1A). Also called: Congenital merosin-deficient muscular dystrophy 1A; Congenital Muscular Dystrophy Type 1A (MDC1A). Identifiers: Orphanet 258, MedGen C1263858, MONDO:0011925, OMIM 607855.

Submission:

Department of Medical Genetics, National Institute of Health
Classification: Pathogenic for Merosin deficient congenital muscular dystrophy. Last evaluated: 2022-04-11. Review status: no assertion criteria provided. Collection method: clinical testing. Allele origin: germline. Inheritance: Autosomal recessive inheritance. Affected: yes. Observed: 1 homozygote.
Comment: Targeted next-generation sequencing panel identified a novel homozygous large deletion of exons 50 and 51 in the LAMA2 gene, NM_000426.4(LAMA2):c.(6992+1_6993-1)_(7300+1_7301-1)del p.(Pro2332Glnfs*10). This CNV has not been reported in databases before and also was not found in 138 Moroccan clinical exomes (in-house database). The genetic diagnosis is compatible with merosin deficient congenital muscular dystrophy phenotype (MDC1A).

NM_000426.4:c.(6992+1_6993-1)_(7300+1_7301-1)del

Gene: LAMA2 (laminin subunit alpha 2; plus strand).
Variant type: Deletion.
Other names: c.(6992+1_6993-1)_(7300+1_7301-1)del (NM_000426.4).
Identifiers: ClinVar variation 1691260 (VCV001691260.2).